The following is an entry in ClinVar:

ClinVar aggregate classification (germline): Uncertain significance. Review status: criteria provided, multiple submitters, no conflicts (2 of 4 stars). 4 submissions from 4 submitters: Uncertain significance (4). Last evaluated 2026-03-10.

Conditions:
Cardiovascular phenotype. Identifiers: MedGen CN230736.
SCN10A-related disorder. Also called: SCN10A-related condition.
Brugada syndrome. Also called: Sudden unexpected nocturnal death syndrome; Sudden unexplained nocturnal death syndrome; Sudden Unexplained Death Syndrome; Sudden Unexplained Nocturnal Death Syndrome (SUNDS). Identifiers: Orphanet 130, MedGen C1142166, MONDO:0015263.

Allele frequency attached by ClinVar (database versions not stated): gnomAD 0.00002 and 0.00003; TOPMed 0.00003; 1000 Genomes Project 0.00020; 1000 Genomes Project 30x 0.00031.
gnomAD v4.1: 27 of 1,614,196 alleles (0.0017%); highest among the groups gnomAD compares: Middle Eastern, 0.016%; no homozygotes.

Submissions (4):

PreventionGenetics, part of Exact Sciences
Classification: Uncertain significance for SCN10A-related condition. Last evaluated: 2026-03-10. Review status: criteria provided, single submitter. Criteria: ACMG Guidelines, 2015. Collection method: clinical testing. Allele origin: germline.
Comment: The SCN10A c.3598G>A variant is predicted to result in the amino acid substitution p.Glu1200Lys. To our knowledge, this variant has not been reported in the literature. This variant is reported in 0.0062% of alleles in individuals of African descent in gnomAD. At this time, the clinical significance of this variant is uncertain due to the absence of conclusive functional and genetic evidence.

GeneDx
Classification: Uncertain significance. Last evaluated: 2024-08-26. Review status: criteria provided, single submitter. Criteria: GeneDx Variant Classification Process June 2021. Collection method: clinical testing. Allele origin: germline. Affected: yes.
Comment: Not observed at significant frequency in large population cohorts (gnomAD); In silico analysis supports that this missense variant has a deleterious effect on protein structure/function; Has not been previously published as pathogenic or benign to our knowledge

Ambry Genetics
Classification: Uncertain significance for Cardiovascular phenotype. Last evaluated: 2023-04-27. Review status: criteria provided, single submitter. Criteria: Ambry Variant Classification Scheme 2023. Collection method: clinical testing. Allele origin: germline.
Comment: The p.E1200K variant (also known as c.3598G>A), located in coding exon 20 of the SCN10A gene, results from a G to A substitution at nucleotide position 3598. The glutamic acid at codon 1200 is replaced by lysine, an amino acid with similar properties. This amino acid position is highly conserved in available vertebrate species. In addition, this alteration is predicted to be deleterious by in silico analysis. The evidence for this gene-disease relationship is limited; therefore, the clinical significance of this alteration is unclear.

Labcorp Genetics (formerly Invitae), Labcorp
Classification: Uncertain significance for Brugada syndrome. Last evaluated: 2021-02-18. Review status: criteria provided, single submitter. Criteria: Invitae Variant Classification Sherloc (09022015). Collection method: clinical testing. Allele origin: germline.
Comment: In summary, the available evidence is currently insufficient to determine the role of this variant in disease. Therefore, it has been classified as a Variant of Uncertain Significance. Advanced modeling of protein sequence and biophysical properties (such as structural, functional, and spatial information, amino acid conservation, physicochemical variation, residue mobility, and thermodynamic stability) performed at Invitae indicates that this missense variant is expected to disrupt SCN10A protein function. This variant has not been reported in the literature in individuals with SCN10A-related conditions. This variant is not present in population databases (ExAC no frequency). This sequence change replaces glutamic acid with lysine at codon 1200 of the SCN10A protein (p.Glu1200Lys). The glutamic acid residue is highly conserved and there is a small physicochemical difference between glutamic acid and lysine.

NM_006514.4(SCN10A):c.3598G>A (p.Glu1200Lys)

Gene: SCN10A (sodium voltage-gated channel alpha subunit 10; minus strand). Cytogenetic location: 3p22.2.
Variant type: single nucleotide variant.
Coding change: c.3598G>A on transcript NM_006514.4 (MANE Select); coding-DNA position 3598, G replaced by A.
Protein change: p.Glu1200Lys; replaces glutamic acid 1200 with lysine.
Molecular consequence: missense variant.
Genome position (GRCh38, 1-based): chr3:38,718,736, C>T on the plus strand (G>A on the coding strand, the complement: SCN10A is on the minus strand). VCF-style: chr3-38718736-C-T. GRCh37 (hg19) VCF-style: chr3-38760227-C-T.
Other names: c.3595G>A, p.Glu1199Lys (NM_001293306.2); c.3304G>A, p.Glu1102Lys (NM_001293307.2); c.3598G>A (NM_006514.2, NM_006514.3); short protein forms E1200K, E1102K, E1199K.
Identifiers: ClinVar variation 1376626 (VCV001376626.9), dbSNP rs202199966, ClinGen allele CA72956117.
Genomic context (GRCh38, chr3:38,718,736, plus strand): 5'-AGCACCAGGCATTGGTGAAGTACTTTTTGAAGCCATAGGCCACCCACTTAAGCAGCATCT[C>T]GAACACAAAGATAAAGGTGAAGACCCTGTCAGTGTACTCCAGCAAAGCTTTCACCGTGGG-3'
Protein context (NP_006505.4, residues 1190-1210): DRVFTFIFVF[Glu1200Lys]MLLKWVAYGF